The following is an entry in ClinVar:

NM_001144990.2(NWD2):c.2842C>T (p.Leu948=)

Gene: NWD2 (NACHT and WD repeat domain containing 2; plus strand). Cytogenetic location: 4p14.
Variant type: single nucleotide variant.
Coding change: c.2842C>T on transcript NM_001144990.2 (MANE Select); coding-DNA position 2842, C replaced by T.
Protein change: p.Leu948=; no amino-acid change (leucine 948 retained).
Molecular consequence: synonymous variant.
Genome position (GRCh38, 1-based): chr4:37,444,830, C>T. VCF-style: chr4-37444830-C-T. GRCh37 (hg19) VCF-style: chr4-37446452-C-T.
Identifiers: ClinVar variation 2654714 (VCV002654714.24), dbSNP rs201434818, ClinGen allele CA2885947.

ClinVar aggregate classification (germline): Likely benign (1 of 4 stars; one submission).

Allele frequency attached by ClinVar (database versions not stated): gnomAD exomes 0.00061; gnomAD 0.00090; TOPMed 0.00098; ESP Exome Variant Server 0.00131; ExAC 0.00300.
gnomAD v4.1: 1,064 of 1,552,066 alleles (0.069%); highest among the groups gnomAD compares: South Asian, 0.019%; 11 homozygotes.

Submission:

CeGaT Center for Human Genetics Tuebingen
Classification: Likely benign. Last evaluated: 2022-12-01. Review status: criteria provided, single submitter. Criteria: CeGaT Center For Human Genetics Tuebingen Variant Classification Criteria Version 2. Collection method: clinical testing. Allele origin: germline. Affected: yes. Observed: 1 variant allele.
Comment: NWD2: BP4, BP7